The following is an entry in ClinVar:

NM_199420.4(POLQ):c.3654G>C (p.Met1218Ile)

Gene: POLQ (DNA polymerase theta; minus strand). Cytogenetic location: 3q13.33.
Variant type: single nucleotide variant.
Coding change: c.3654G>C on transcript NM_199420.4 (MANE Select); coding-DNA position 3654, G replaced by C.
Protein change: p.Met1218Ile; replaces methionine 1218 with isoleucine.
Molecular consequence: missense variant.
Genome position (GRCh38, 1-based): chr3:121,489,277, C>G on the plus strand (G>C on the coding strand, the complement: POLQ is on the minus strand). VCF-style: chr3-121489277-C-G. GRCh37 (hg19) VCF-style: chr3-121208124-C-G.
Other names: short protein forms M1218I.
Identifiers: ClinVar variation 2624475 (VCV002624475.2), dbSNP rs2546787123, ClinGen allele CA354098308.

ClinVar aggregate classification (germline): Uncertain significance (1 of 4 stars; one submission).

Submission:

Ambry Genetics
Classification: Uncertain significance. Last evaluated: 2023-07-29. Review status: criteria provided, single submitter. Criteria: Ambry Variant Classification Scheme 2023. Collection method: clinical testing. Allele origin: germline.
Comment: The p.M1218I variant (also known as c.3654G>C), located in coding exon 16 of the POLQ gene, results from a G to C substitution at nucleotide position 3654. The methionine at codon 1218 is replaced by isoleucine, an amino acid with highly similar properties. This amino acid position is conserved. In addition, this alteration is predicted to be tolerated by in silico analysis. Since supporting evidence is limited at this time, the clinical significance of this alteration remains unclear.